The following is an entry in ClinVar:

ClinVar aggregate classification (germline): Uncertain significance (1 of 4 stars; one submission).

gnomAD v4.1: 1 of 1,613,712 alleles (0.000062%); highest among the groups gnomAD compares: Non-Finnish European, 0.000085%; no homozygotes.

Submission:

GeneDx
Classification: Uncertain significance. Last evaluated: 2024-04-24. Review status: criteria provided, single submitter. Criteria: GeneDx Variant Classification Process June 2021. Collection method: clinical testing. Allele origin: germline. Affected: yes.
Comment: Not observed at significant frequency in large population cohorts (gnomAD); In silico analysis supports that this missense variant has a deleterious effect on protein structure/function; Has not been previously published as pathogenic or benign to our knowledge

NM_199355.4(ADAMTS18):c.3584G>A (p.Cys1195Tyr)

Gene: ADAMTS18 (ADAM metallopeptidase with thrombospondin type 1 motif 18; minus strand). Cytogenetic location: 16q23.1.
Variant type: single nucleotide variant.
Coding change: c.3584G>A on transcript NM_199355.4 (MANE Select); coding-DNA position 3584, G replaced by A.
Protein change: p.Cys1195Tyr; replaces cysteine 1195 with tyrosine.
Molecular consequence: missense variant.
Genome position (GRCh38, 1-based): chr16:77,284,038, C>T on the plus strand (G>A on the coding strand, the complement: ADAMTS18 is on the minus strand). VCF-style: chr16-77284038-C-T. GRCh37 (hg19) VCF-style: chr16-77317935-C-T.
Other names: c.3068G>A, p.Cys1023Tyr (NM_001326358.2); short protein forms C1023Y, C1195Y.
Identifiers: ClinVar variation 3371510 (VCV003371510.1).
Genomic context (GRCh38, chr16:77,284,038, plus strand): 5'-TTGCAGCATTGTTTTCCGTAAAACTTGTGGTTGCAGACACCATGCTGAGGAACTAGGTGA[C>T]ACCAGTTGAAGAAATCTACGCAGGATGGATCCTCTAAAATAAGAAAATATATTTAGCATG-3'
Protein context (NP_955387.1, residues 1185-1205): DPSCVDFFNW[Cys1195Tyr]HLVPQHGVCN